The following is an entry in ClinVar:

NM_000093.5(COL5A1):c.3121C>T (p.Pro1041Ser)

Gene: COL5A1 (collagen type V alpha 1 chain; plus strand). Cytogenetic location: 9q34.3.
Variant type: single nucleotide variant.
Coding change: c.3121C>T on transcript NM_000093.5 (MANE Select); coding-DNA position 3121, C replaced by T.
Protein change: p.Pro1041Ser; replaces proline 1041 with serine.
Molecular consequence: missense variant.
Genome position (GRCh38, 1-based): chr9:134,804,981, C>T. VCF-style: chr9-134804981-C-T. GRCh37 (hg19) VCF-style: chr9-137696827-C-T.
Other names: c.3121C>T, p.Pro1041Ser (NM_001278074.1); short protein forms P1041S.
Identifiers: ClinVar variation 3607757 (VCV003607757.2).
Genomic context (GRCh38, chr9:134,804,981, plus strand): 5'-TGAGAGGTCTGCGTCACTGGCTCCAGGAAAGCTCATCTCTGACTCTGTTTTCAGGGTGAC[C>T]CAGGCCCTGCAGGCCTCCCTGGGAAAGATGGCCCTCCAGGATTACGTGGTTTCCCTGGGG-3'
Protein context (NP_000084.3, residues 1031-1051): LAGKEGTKGD[Pro1041Ser]GPAGLPGKDG

ClinVar aggregate classification (germline): Uncertain significance (1 of 4 stars; one submission).

Conditions:
Ehlers-Danlos syndrome, classic type, 1 (EDSCL1). Also called: EHLERS-DANLOS SYNDROME, GRAVIS TYPE; EHLERS-DANLOS SYNDROME, SEVERE CLASSIC TYPE; Ehlers-Danlos syndrome, type 1; Ehlers-Danlos Syndrome, Classic Type, COL5A1-Related; EDS I. Identifiers: MedGen C0268335, MONDO:0019567, OMIM 130000.

gnomAD v4.1: 4 of 1,613,326 alleles (0.00025%); highest among the groups gnomAD compares: Non-Finnish European, 0.00025%; no homozygotes.

Submission:

Labcorp Genetics (formerly Invitae), Labcorp
Classification: Uncertain significance for Ehlers-Danlos syndrome, classic type, 1. Last evaluated: 2024-04-30. Review status: criteria provided, single submitter. Criteria: Invitae Variant Classification Sherloc (09022015). Collection method: clinical testing. Allele origin: germline.
Comment: This sequence change replaces proline, which is neutral and non-polar, with serine, which is neutral and polar, at codon 1041 of the COL5A1 protein (p.Pro1041Ser). This variant is present in population databases (rs751792216, gnomAD 0.0009%). This variant has not been reported in the literature in individuals affected with COL5A1-related conditions. Advanced modeling of protein sequence and biophysical properties (such as structural, functional, and spatial information, amino acid conservation, physicochemical variation, residue mobility, and thermodynamic stability) has been performed at Invitae for this missense variant, however the output from this modeling did not meet the statistical confidence thresholds required to predict the impact of this variant on COL5A1 protein function. In summary, the available evidence is currently insufficient to determine the role of this variant in disease. Therefore, it has been classified as a Variant of Uncertain Significance.